The following is an entry in ClinVar:

ClinVar aggregate classification (germline): Uncertain significance (1 of 4 stars; one submission).

Allele frequency attached by ClinVar (database versions not stated): gnomAD exomes below 0.00001; gnomAD 0.00001; TOPMed 0.00001.
gnomAD v4.1: 6 of 1,613,696 alleles (0.00037%); highest among the groups gnomAD compares: African/African-American, 0.0027%; no homozygotes.

Submission:

Labcorp Genetics (formerly Invitae), Labcorp
Classification: Uncertain significance. Last evaluated: 2021-10-12. Review status: criteria provided, single submitter. Criteria: Invitae Variant Classification Sherloc (09022015). Collection method: clinical testing. Allele origin: germline.
Comment: In summary, the available evidence is currently insufficient to determine the role of this variant in disease. Therefore, it has been classified as a Variant of Uncertain Significance. Algorithms developed to predict the effect of missense changes on protein structure and function are either unavailable or do not agree on the potential impact of this missense change (SIFT: "Deleterious"; PolyPhen-2: "Benign"; Align-GVGD: "Class C35"). This variant has not been reported in the literature in individuals affected with HMCN1-related conditions. This variant is not present in population databases (ExAC no frequency). This sequence change replaces arginine with serine at codon 4906 of the HMCN1 protein (p.Arg4906Ser). The arginine residue is highly conserved and there is a moderate physicochemical difference between arginine and serine.

NM_031935.3(HMCN1):c.14718A>C (p.Arg4906Ser)

Gene: HMCN1 (hemicentin 1; plus strand). Cytogenetic location: 1q31.1.
Variant type: single nucleotide variant.
Coding change: c.14718A>C on transcript NM_031935.3 (MANE Select); coding-DNA position 14718, A replaced by C.
Protein change: p.Arg4906Ser; replaces arginine 4906 with serine.
Molecular consequence: missense variant.
Genome position (GRCh38, 1-based): chr1:186,151,309, A>C. VCF-style: chr1-186151309-A-C. GRCh37 (hg19) VCF-style: chr1-186120441-A-C.
Other names: short protein forms R4906S.
Identifiers: ClinVar variation 1514183 (VCV001514183.6), dbSNP rs1365182044, ClinGen allele CA343920388.
Genomic context (GRCh38, chr1:186,151,309, plus strand): 5'-TGAATTTGGAATTGCTTTCCTTAATGCCACAATAACTGATAGCCCTAACTCTGATACTAG[A>C]ATAATACGTGCCAAAATTACCAATGTACCTCGTAGTCTTGGTAAGTCTTTGCCTCAAGCC-3'
Protein context (NP_114141.2, residues 4896-4916): TITDSPNSDT[Arg4906Ser]IIRAKITNVP